The following is an entry in ClinVar:

ClinVar aggregate classification (germline): Uncertain significance (1 of 4 stars; one submission).

Allele frequency attached by ClinVar (database versions not stated): gnomAD exomes below 0.00001; ExAC 0.00001.
gnomAD v4.1: 2 of 1,609,486 alleles (0.00012%); highest among the groups gnomAD compares: Non-Finnish European, 0.00017%; no homozygotes.

Submission:

Labcorp Genetics (formerly Invitae), Labcorp
Classification: Uncertain significance. Last evaluated: 2021-08-26. Review status: criteria provided, single submitter. Criteria: Invitae Variant Classification Sherloc (09022015). Collection method: clinical testing. Allele origin: germline.
Comment: This sequence change replaces serine with tyrosine at codon 313 of the HPS4 protein (p.Ser313Tyr). The serine residue is weakly conserved and there is a large physicochemical difference between serine and tyrosine. This variant is present in population databases (rs778237328, ExAC 0.002%). This variant has not been reported in the literature in individuals affected with HPS4-related conditions. Algorithms developed to predict the effect of missense changes on protein structure and function are either unavailable or do not agree on the potential impact of this missense change (SIFT: "Tolerated"; PolyPhen-2: "Possibly Damaging"; Align-GVGD: "Class C0"). In summary, the available evidence is currently insufficient to determine the role of this variant in disease. Therefore, it has been classified as a Variant of Uncertain Significance.

NM_022081.6(HPS4):c.938C>A (p.Ser313Tyr)

Gene: HPS4 (HPS4 biogenesis of lysosomal organelles complex 3 subunit 2; minus strand). Cytogenetic location: 22q12.1.
Variant type: single nucleotide variant.
Coding change: c.938C>A on transcript NM_022081.6 (MANE Select); coding-DNA position 938, C replaced by A.
Protein change: p.Ser313Tyr; replaces serine 313 with tyrosine.
Molecular consequence: missense variant. On other transcripts: non-coding transcript variant (8).
Genome position (GRCh38, 1-based): chr22:26,464,692, G>T on the plus strand (C>A on the coding strand, the complement: HPS4 is on the minus strand). VCF-style: chr22-26464692-G-T. GRCh37 (hg19) VCF-style: chr22-26860658-G-T.
Other names: c.938C>A, p.Ser313Tyr (NM_001349896.1, NM_001349898.2, NM_001349899.2 and 4 more transcripts); c.992C>A, p.Ser331Tyr (NM_001349900.2, NM_001349901.1); c.923C>A, p.Ser308Tyr (NM_152841.2); short protein forms S308Y, S331Y, S313Y.
Identifiers: ClinVar variation 1475488 (VCV001475488.5), dbSNP rs778237328, ClinGen allele CA10163440.